The following is an entry in ClinVar:

NM_007035.4(KERA):c.120C>T (p.Phe40=)

Gene: KERA (keratocan; minus strand). Cytogenetic location: 12q21.33.
Variant type: single nucleotide variant.
Coding change: c.120C>T on transcript NM_007035.4 (MANE Select); coding-DNA position 120, C replaced by T.
Protein change: p.Phe40=; no amino-acid change (phenylalanine 40 retained).
Molecular consequence: synonymous variant.
Genome position (GRCh38, 1-based): chr12:91,056,162, G>A on the plus strand (C>T on the coding strand, the complement: KERA is on the minus strand). VCF-style: chr12-91056162-G-A. GRCh37 (hg19) VCF-style: chr12-91449939-G-A.
Identifiers: ClinVar variation 3057860 (VCV003057860.2), dbSNP rs199813838, ClinGen allele CA6716636.

ClinVar aggregate classification (germline): Likely benign (0 of 4 stars; one submission).

Conditions:
KERA-related disorder. Also called: KERA-related condition.

Allele frequency attached by ClinVar (database versions not stated): TOPMed 0.00001; gnomAD exomes 0.00002; gnomAD 0.00003; ExAC 0.00013; 1000 Genomes Project 30x 0.00016; 1000 Genomes Project 0.00020.

Submission:

PreventionGenetics, part of Exact Sciences
Classification: Likely benign for KERA-related condition. Last evaluated: 2019-03-15. Review status: no assertion criteria provided. Collection method: clinical testing. Allele origin: germline.
Comment: This variant is classified as likely benign based on ACMG/AMP sequence variant interpretation guidelines (Richards et al. 2015 PMID: 25741868, with internal and published modifications).